The following is an entry in ClinVar:

ClinVar aggregate classification (germline): Uncertain significance (1 of 4 stars; one submission).

Submission:

CeGaT Center for Human Genetics Tuebingen
Classification: Uncertain significance. Last evaluated: 2025-12-01. Review status: criteria provided, single submitter. Criteria: CeGaT Center For Human Genetics Tuebingen Variant Classification Criteria Version 2. Collection method: clinical testing. Allele origin: germline. Affected: yes. Observed: 1 variant allele.
Comment: KCNA2: PM2:Supporting, PP3

NM_004974.4(KCNA2):c.386A>T (p.Asp129Val)

Gene: KCNA2 (potassium voltage-gated channel subfamily A member 2; minus strand). Cytogenetic location: 1p13.3.
Variant type: single nucleotide variant.
Coding change: c.386A>T on transcript NM_004974.4 (MANE Select); coding-DNA position 386, A replaced by T.
Protein change: p.Asp129Val; replaces aspartic acid 129 with valine.
Molecular consequence: missense variant.
Genome position (GRCh38, 1-based): chr1:110,604,397, T>A on the plus strand (A>T on the coding strand, the complement: KCNA2 is on the minus strand). VCF-style: chr1-110604397-T-A. GRCh37 (hg19) VCF-style: chr1-111147019-T-A.
Other names: c.386A>T, p.Asp129Val (NM_001204269.2); short protein forms D129V.
Identifiers: ClinVar variation 4681558 (VCV004681558.5).